The following is an entry in ClinVar:

NM_000535.7(PMS2):c.2331C>T (p.Thr777=)

Gene: PMS2 (PMS1 homolog 2, mismatch repair system component; minus strand). Cytogenetic location: 7p22.1.
Variant type: single nucleotide variant.
Coding change: c.2331C>T on transcript NM_000535.7 (MANE Select); coding-DNA position 2331, C replaced by T.
Protein change: p.Thr777=; no amino-acid change (threonine 777 retained).
Molecular consequence: synonymous variant. On other transcripts: non-coding transcript variant (1).
Genome position (GRCh38, 1-based): chr7:5,977,702, G>A on the plus strand (C>T on the coding strand, the complement: PMS2 is on the minus strand). VCF-style: chr7-5977702-G-A. GRCh37 (hg19) VCF-style: chr7-6017333-G-A.
Other names: c.1926C>T, p.Thr642= (NM_001322003.2, NM_001322004.2, NM_001322005.2); c.2175C>T, p.Thr725= (NM_001322006.2); c.2013C>T, p.Thr671= (NM_001322007.2, NM_001322008.2); c.1959C>T, p.Thr653= (NM_001322009.2); c.1770C>T, p.Thr590= (NM_001322010.2); c.1398C>T, p.Thr466= (NM_001322011.2, NM_001322012.2); c.1758C>T, p.Thr586= (NM_001322013.2); c.2364C>T, p.Thr788= (NM_001322014.2); and 1 more.
Identifiers: ClinVar variation 810068 (VCV000810068.23), dbSNP rs1583281105, ClinGen allele CA453642437.

ClinVar aggregate classification (germline): Benign/Likely benign. Review status: criteria provided, multiple submitters, no conflicts (2 of 4 stars). 3 submissions from 3 submitters: Benign (1); Likely benign (2). Last evaluated 2025-11-10.

Conditions:
Lynch syndrome 4 (LYNCH4). Also called: Hereditary non-polyposis colorectal cancer, type 4; Colorectal cancer, hereditary nonpolyposis, type 4. Identifiers: Orphanet 144, MedGen C1838333, MONDO:0013699, OMIM 614337. Disease mechanism: loss of function.
Hereditary cancer-predisposing syndrome. Also called: Neoplastic Syndromes, Hereditary; Tumor predisposition; Hereditary neoplastic syndrome; Hereditary Cancer Syndrome. Identifiers: Orphanet 140162, MedGen C0027672, MeSH D009386, MONDO:0015356.
Hereditary nonpolyposis colorectal neoplasms. Identifiers: MedGen C0009405, MeSH D003123.

Allele frequency attached by ClinVar (database versions not stated): gnomAD exomes 0.00001.

Submissions (3):

Labcorp Genetics (formerly Invitae), Labcorp
Classification: Likely benign for Hereditary nonpolyposis colorectal neoplasms. Last evaluated: 2025-11-10. Review status: criteria provided, single submitter. Criteria: Invitae Variant Classification Sherloc (09022015). Collection method: clinical testing. Allele origin: germline.

Myriad Genetics, Inc.
Classification: Benign for Lynch syndrome 4. Last evaluated: 2025-02-04. Review status: criteria provided, single submitter. Criteria: Myriad Autosomal Dominant, Autosomal Recessive and X-Linked Classification Criteria (2023). Collection method: clinical testing. Allele origin: unknown.
Comment: This variant is considered benign. This variant is a silent/synonymous amino acid change and it is not expected to impact splicing.

Ambry Genetics
Classification: Likely benign for Hereditary cancer-predisposing syndrome. Last evaluated: 2019-10-22. Review status: criteria provided, single submitter. Criteria: Ambry Variant Classification Scheme 2023. Collection method: clinical testing. Allele origin: germline.